The following is an entry in ClinVar:

ClinVar aggregate classification (germline): Likely benign (1 of 4 stars; one submission).

Conditions:
Ehlers-Danlos syndrome, type 4 (EDSVASC). Also called: Ehlers-Danlos Syndrome Type IV; Ehlers-Danlos syndrome vascular type; Ehlers Danlos syndrome, ecchymotic type; Ehlers Danlos syndrome, arterial type; Ehlers Danlos syndrome, Sack-Barabas type. Identifiers: Orphanet 286, MedGen C0268338, MONDO:0017314, OMIM 130050.

Submission:

All of Us Research Program, National Institutes of Health
Classification: Likely benign for Ehlers-Danlos syndrome, type 4. Last evaluated: 2023-10-23. Review status: criteria provided, single submitter. Criteria: ACMG Guidelines, 2015. Collection method: clinical testing. Allele origin: germline. Inheritance: Autosomal dominant inheritance. Observed: 1 variant allele, 1 heterozygote.
Comment: This study involves interpretation of variants in research participants for the purpose of population health screening. Participant phenotype was not available at the time of variant classification. Additional details can be found in publication PMID: 35346344, PMCID: PMC8962531

NM_000090.4(COL3A1):c.3922T>C (p.Leu1308=)

Gene: COL3A1 (collagen type III alpha 1 chain; plus strand). Cytogenetic location: 2q32.2.
Variant type: single nucleotide variant.
Coding change: c.3922T>C on transcript NM_000090.4 (MANE Select); coding-DNA position 3922, T replaced by C.
Protein change: p.Leu1308=; no amino-acid change (leucine 1308 retained).
Molecular consequence: synonymous variant.
Genome position (GRCh38, 1-based): chr2:189,010,276, T>C. VCF-style: chr2-189010276-T-C. GRCh37 (hg19) VCF-style: chr2-189875002-T-C.
Identifiers: ClinVar variation 3074153 (VCV003074153.1), dbSNP rs2469169016, ClinGen allele CA430313958.